The following is an entry in ClinVar:

ClinVar aggregate classification (germline): Uncertain significance (1 of 4 stars; one submission).

Conditions:
Jeune thoracic dystrophy. Also called: Jeune syndrome; Infantile thoracic dystrophy; Thoracic pelvic phalangeal dystrophy; Jeune's syndrome; Chondroectodermal dysplasia-like syndrome; Short-rib thoracic dysplasia. Identifiers: Orphanet 474, MedGen C0265275, MONDO:0018770.

gnomAD v4.1: 2 of 1,611,962 alleles (0.00012%); highest among the groups gnomAD compares: East Asian, 0.0022%; no homozygotes.

Submission:

Labcorp Genetics (formerly Invitae), Labcorp
Classification: Uncertain significance for Jeune thoracic dystrophy. Last evaluated: 2021-09-24. Review status: criteria provided, single submitter. Criteria: Invitae Variant Classification Sherloc (09022015). Collection method: clinical testing. Allele origin: germline.
Comment: This sequence change replaces arginine with serine at codon 717 of the DYNC2H1 protein (p.Arg717Ser). The arginine residue is highly conserved and there is a moderate physicochemical difference between arginine and serine. This variant is not present in population databases (ExAC no frequency). This variant has not been reported in the literature in individuals with DYNC2H1-related conditions. Advanced modeling of protein sequence and biophysical properties (such as structural, functional, and spatial information, amino acid conservation, physicochemical variation, residue mobility, and thermodynamic stability) performed at Invitae indicates that this missense variant is not expected to disrupt DYNC2H1 protein function. In summary, the available evidence is currently insufficient to determine the role of this variant in disease. Therefore, it has been classified as a Variant of Uncertain Significance.

NM_001377.3(DYNC2H1):c.2149C>A (p.Arg717Ser)

Gene: DYNC2H1 (dynein cytoplasmic 2 heavy chain 1; plus strand). Cytogenetic location: 11q22.3.
Variant type: single nucleotide variant.
Coding change: c.2149C>A on transcript NM_001377.3 (MANE Select); coding-DNA position 2149, C replaced by A.
Protein change: p.Arg717Ser; replaces arginine 717 with serine.
Molecular consequence: missense variant.
Genome position (GRCh38, 1-based): chr11:103,134,363, C>A. VCF-style: chr11-103134363-C-A. GRCh37 (hg19) VCF-style: chr11-103005092-C-A.
Other names: c.2149C>A, p.Arg717Ser (NM_001080463.2); short protein forms R717S.
Identifiers: ClinVar variation 1482414 (VCV001482414.5), dbSNP rs576204512, ClinGen allele CA382258693.